The following is an entry in ClinVar:

ClinVar aggregate classification (germline): Uncertain significance (1 of 4 stars; one submission).

Allele frequency attached by ClinVar (database versions not stated): gnomAD 0.00001; gnomAD exomes 0.00001; TOPMed 0.00001; ExAC 0.00003.
gnomAD v4.1: 13 of 1,613,168 alleles (0.00081%); highest among the groups gnomAD compares: Admixed American, 0.01%; no homozygotes.

Submission:

Labcorp Genetics (formerly Invitae), Labcorp
Classification: Uncertain significance. Last evaluated: 2023-10-03. Review status: criteria provided, single submitter. Criteria: Invitae Variant Classification Sherloc (09022015). Collection method: clinical testing. Allele origin: germline.
Comment: This sequence change replaces valine, which is neutral and non-polar, with isoleucine, which is neutral and non-polar, at codon 1328 of the DSCAML1 protein (p.Val1328Ile). This variant is present in population databases (rs769066450, gnomAD 0.01%). This missense change has been observed in individual(s) with autism spectrum disorder (PMID: 33501714). ClinVar contains an entry for this variant (Variation ID: 2144492). An algorithm developed to predict the effect of missense changes on protein structure and function (PolyPhen-2) suggests that this variant is likely to be disruptive. In summary, the available evidence is currently insufficient to determine the role of this variant in disease. Therefore, it has been classified as a Variant of Uncertain Significance.

Literature cited by the submitters: PubMed 33501714.

NM_020693.4(DSCAML1):c.3802G>A (p.Val1268Ile)

Gene: DSCAML1 (DS cell adhesion molecule like 1; minus strand). Cytogenetic location: 11q23.3.
Variant type: single nucleotide variant.
Coding change: c.3802G>A on transcript NM_020693.4 (MANE Select); coding-DNA position 3802, G replaced by A.
Protein change: p.Val1268Ile; replaces valine 1268 with isoleucine.
Molecular consequence: missense variant.
Genome position (GRCh38, 1-based): chr11:117,443,946, C>T on the plus strand (G>A on the coding strand, the complement: DSCAML1 is on the minus strand). VCF-style: chr11-117443946-C-T. GRCh37 (hg19) VCF-style: chr11-117314662-C-T.
Other names: short protein forms V1268I.
Identifiers: ClinVar variation 2144492 (VCV002144492.4), dbSNP rs769066450, ClinGen allele CA6296582.
Genomic context (GRCh38, chr11:117,443,946, plus strand): 5'-CCTTGCCAGCAGGCTCGATGGTCACCTTCTCGCTGCTGTTGCCCCGGCCGGCAGAGGTGA[C>T]GGCGGCCACCCACAGCAGATACTGCTGACCGCGGTTTAGGTGGGCGATCCGGTAGAAGAG-3'
Protein context (NP_065744.3, residues 1258-1278): GQQYLLWVAA[Val1268Ile]TSAGRGNSSE